The following is an entry in ClinVar:

ClinVar aggregate classification (germline): Uncertain significance (1 of 4 stars; one submission).

Submission:

Labcorp Genetics (formerly Invitae), Labcorp
Classification: Uncertain significance. Last evaluated: 2023-01-10. Review status: criteria provided, single submitter. Criteria: Invitae Variant Classification Sherloc (09022015). Collection method: clinical testing. Allele origin: germline.
Comment: In summary, the available evidence is currently insufficient to determine the role of this variant in disease. Therefore, it has been classified as a Variant of Uncertain Significance. Experimental studies have shown that this missense change affects GNAS function (PMID: 21822432). Advanced modeling of protein sequence and biophysical properties (such as structural, functional, and spatial information, amino acid conservation, physicochemical variation, residue mobility, and thermodynamic stability) performed at Invitae indicates that this missense variant is expected to disrupt GNAS protein function. This missense change has been observed in individuals with autosomal dominant GNAS-related conditions (PMID: 21822432). This variant is not present in population databases (gnomAD no frequency). This sequence change replaces tyrosine, which is neutral and polar, with histidine, which is basic and polar, at codon 318 of the GNAS protein (p.Tyr318His).

Literature cited by the submitters: PubMed 21822432.

NM_000516.7(GNAS):c.952T>C (p.Tyr318His)

Gene: GNAS (GNAS complex locus; plus strand). Cytogenetic location: 20q13.32.
Variant type: single nucleotide variant.
Coding change: c.952T>C on transcript NM_000516.7 (MANE Select); coding-DNA position 952, T replaced by C.
Protein change: p.Tyr318His; replaces tyrosine 318 with histidine.
Molecular consequence: missense variant. On other transcripts: 3 prime UTR variant (2).
Genome position (GRCh38, 1-based): chr20:58,910,063, T>C. VCF-style: chr20-58910063-T-C. GRCh37 (hg19) VCF-style: chr20-57485118-T-C.
Other names: c.955T>C, p.Tyr319His (NM_001077488.5); c.907T>C, p.Tyr303His (NM_001077489.4); c.*813T>C (NM_001077490.3); c.775T>C, p.Tyr259His (NM_001309840.2, NM_001309861.2); c.856T>C, p.Tyr286His (NM_001410912.1); c.2836T>C, p.Tyr946His (NM_001410913.1); c.*858T>C (NM_016592.5); c.2881T>C, p.Tyr961His (NM_080425.4); and 1 more; short protein forms Y286H, Y303H, Y259H, Y961H, Y304H, Y318H, Y319H, Y946H.
Identifiers: ClinVar variation 2736977 (VCV002736977.3), dbSNP rs2146293753, ClinGen allele CA409453341.